The following is an entry in ClinVar:

ClinVar aggregate classification (germline): Benign. Review status: criteria provided, single submitter (1 of 4 stars). 2 submissions from 1 submitter: Benign (2). Last evaluated 2018-01-13.

Conditions:
Susceptibility to mononeuropathy of the median nerve, mild. Also called: CARPAL TUNNEL SYNDROME, SUSCEPTIBILITY TO. Identifiers: MedGen C3150596, MONDO:0013237, OMIM 613353.
Charcot-Marie-Tooth disease type 4C (CMT4C). Also called: CHARCOT-MARIE-TOOTH DISEASE, DEMYELINATING, AUTOSOMAL RECESSIVE, TYPE 4C; CMT 4C; Charcot-Marie-Tooth Neuropathy Type 4C (CMT4C); CHARCOT-MARIE-TOOTH DISEASE, DEMYELINATING, TYPE 4C; SH3TC2-Related Hereditary Motor and Sensory Neuropathy. Identifiers: Orphanet 99949, MedGen C1866636, MONDO:0011113, OMIM 601596.

Allele frequency attached by ClinVar (database versions not stated): TOPMed 0.15401; 1000 Genomes Project 30x 0.15881; 1000 Genomes Project 0.16154; gnomAD 0.16464 and 0.16769.
gnomAD v4.1: 25,541 of 151,984 alleles (17%); highest among the groups gnomAD compares: East Asian, 24%; 2,488 homozygotes.

Submissions (2):

Illumina Laboratory Services, Illumina
Classification: Benign for Charcot-Marie-Tooth disease type 4C. Last evaluated: 2018-01-13. Review status: criteria provided, single submitter. Criteria: ICSL Variant Classification Criteria 13 December 2019. Collection method: clinical testing. Allele origin: germline.
Comment: This variant was observed in the ICSL laboratory as part of a predisposition screen in an ostensibly healthy population. It had not been previously curated by ICSL or reported in the Human Gene Mutation Database (HGMD: prior to June 1st, 2018), and was therefore a candidate for classification through an automated scoring system. Utilizing variant allele frequency, disease prevalence and penetrance estimates, and inheritance mode, an automated score was calculated to assess if this variant is too frequent to cause the disease. Based on the score and internal cut-off values, a variant classified as benign is not then subjected to further curation. The score for this variant resulted in a classification of benign for this disease.

Illumina Laboratory Services, Illumina
Classification: Benign for Susceptibility to mononeuropathy of the median nerve, mild. Last evaluated: 2018-01-13. Review status: criteria provided, single submitter. Criteria: ICSL Variant Classification Criteria 13 December 2019. Collection method: clinical testing. Allele origin: germline.
Comment: the same text as in the submission from Illumina Laboratory Services, Illumina above.

NM_024577.4(SH3TC2):c.*4719C>G

Gene: SH3TC2 (SH3 domain and tetratricopeptide repeats 2; minus strand). Cytogenetic location: 5q32.
Variant type: single nucleotide variant.
Coding change: c.*4719C>G on transcript NM_024577.4 (MANE Select); 4719 bases downstream of the stop codon, C replaced by G.
Molecular consequence: 3 prime UTR variant.
Genome position (GRCh38, 1-based): chr5:148,999,992, G>C on the plus strand (C>G on the coding strand, the complement: SH3TC2 is on the minus strand). VCF-style: chr5-148999992-G-C. GRCh37 (hg19) VCF-style: chr5-148379555-G-C.
Identifiers: ClinVar variation 351817 (VCV000351817.5), dbSNP rs6885467, ClinGen allele CA10623471.